The following is an entry in ClinVar:

ClinVar aggregate classification (germline): Likely benign. Review status: criteria provided, multiple submitters, no conflicts (2 of 4 stars). 4 submissions from 4 submitters: Likely benign (4). Last evaluated 2026-01-19.

Conditions:
Bloom syndrome (BLM). Also called: Bloom-Torre-Machacek syndrome. Identifiers: Orphanet 125, MedGen C0005859, MONDO:0008876, OMIM 210900.
Hereditary cancer-predisposing syndrome. Also called: Hereditary Cancer Syndrome; Neoplastic Syndromes, Hereditary; Hereditary neoplastic syndrome; Tumor predisposition. Identifiers: Orphanet 140162, MedGen C0027672, MeSH D009386, MONDO:0015356.

Allele frequency attached by ClinVar (database versions not stated): gnomAD exomes below 0.00001.
gnomAD v4.1: 2 of 1,612,122 alleles (0.00012%); highest among the groups gnomAD compares: African/African-American, 0.0027%; no homozygotes.

Submissions (4):

Labcorp Genetics (formerly Invitae), Labcorp
Classification: Likely benign for Bloom syndrome. Last evaluated: 2026-01-19. Review status: criteria provided, single submitter. Criteria: Invitae Variant Classification Sherloc (09022015). Collection method: clinical testing. Allele origin: germline.

CeGaT Center for Human Genetics Tuebingen
Classification: Likely benign. Last evaluated: 2025-03-01. Review status: criteria provided, single submitter. Criteria: CeGaT Center For Human Genetics Tuebingen Variant Classification Criteria Version 2. Collection method: clinical testing. Allele origin: germline. Affected: yes. Observed: 1 variant allele.
Comment: BLM: BP4, BP7

Ambry Genetics
Classification: Likely benign for Hereditary cancer-predisposing syndrome. Last evaluated: 2022-04-04. Review status: criteria provided, single submitter. Criteria: Ambry Variant Classification Scheme 2023. Collection method: clinical testing. Allele origin: germline.

Blueprint Genetics
Classification: Likely benign. Last evaluated: 2020-01-08. Review status: criteria provided, single submitter. Criteria: ACMG Guidelines, 2015. Collection method: clinical testing. Allele origin: germline.

NM_000057.4(BLM):c.810A>G (p.Glu270=)

Gene: BLM (BLM RecQ like helicase; plus strand). Cytogenetic location: 15q26.1.
Variant type: single nucleotide variant.
Coding change: c.810A>G on transcript NM_000057.4 (MANE Select); coding-DNA position 810, A replaced by G.
Protein change: p.Glu270=; no amino-acid change (glutamic acid 270 retained).
Molecular consequence: synonymous variant. On other transcripts: 5 prime UTR variant (1).
Genome position (GRCh38, 1-based): chr15:90,751,797, A>G. VCF-style: chr15-90751797-A-G. GRCh37 (hg19) VCF-style: chr15-91295027-A-G.
Other names: c.810A>G, p.Glu270= (NM_001287246.2, NM_001287247.2); c.-482A>G (NM_001287248.2).
Identifiers: ClinVar variation 739159 (VCV000739159.21), dbSNP rs1596220978, ClinGen allele CA492157715.